The following is an entry in ClinVar:

ClinVar aggregate classification (germline): Pathogenic. Review status: criteria provided, multiple submitters, no conflicts (2 of 4 stars). 49 submissions from 47 submitters: Pathogenic (43). 6 of the submissions do not count toward it. Last evaluated 2026-09-23.

Conditions:
Beta-thalassemia HBB/LCRB. Identifiers: MedGen CN322236, MONDO:0013517, OMIM 613985.
Erythrocyte disorder. Also called: Erythrocyte disease. Identifiers: MedGen C0221016, MONDO:0044347.
Erythrocytosis, familial, 6. Also called: ERYTHROCYTOSIS, BETA-GLOBIN TYPE; POLYCYTHEMIA, BETA-GLOBIN TYPE. Identifiers: MedGen C4693822, MONDO:0054801, OMIM 617980.
Hereditary persistence of fetal hemoglobin. Identifiers: MedGen C0019025, MONDO:0020989, OMIM 141749.
METHEMOGLOBINEMIA, BETA TYPE. Also called: Methemoglobinemia, beta-globin type. Identifiers: MedGen C1840779, OMIM 617971.
Hb SS disease (SCD). Also called: Hemoglobin SS; Sickle cell anemia; Sickle cell disease; HbS disease; Hemoglobin S Disease; Sickling disorder due to hemoglobin S. Identifiers: Orphanet 232, Orphanet 275752, MedGen C0002895, MONDO:0011382, OMIM 603903.
Dominant beta-thalassemia. Also called: Beta-thalassemia, dominant inclusion body type. Identifiers: Orphanet 231226, Orphanet 848, MedGen C1858990, MONDO:0011381, OMIM 603902.
Malaria, susceptibility to. Identifiers: Orphanet 673, MedGen C1970028, MONDO:0021024, OMIM 611162.
Heinz body anemia. Also called: Heinz body hemolytic anemia. Identifiers: Orphanet 178330, MedGen C0700299, MONDO:0007705, OMIM 140700, HP:0005511.
Inborn genetic diseases. Identifiers: MedGen C0950123, MeSH D030342.
HBB-related disorder. Also called: HBB-related disorders; HBB-related condition. Identifiers: MedGen CN239378.
Beta zero thalassemia. Identifiers: MedGen C0271980.
alpha Thalassemia. Also called: Alpha thalassemia spectrum. Identifiers: Orphanet 846, MedGen C0002312, MONDO:0011399, OMIM 604131.
beta Thalassemia (BTHAL). Also called: Cooley's anemia; Erythroblastic anemia; Mediterranean anemia. Identifiers: Orphanet 848, MedGen C0005283, MONDO:0019402. Disease mechanism: loss of function.

Allele frequency attached by ClinVar (database versions not stated): ESP Exome Variant Server 0.00008; 1000 Genomes Project 30x 0.00016; 1000 Genomes Project 0.00020; gnomAD 0.00026 and 0.00027; ExAC 0.00042; gnomAD exomes 0.00014 and 0.00033; TOPMed 0.00023.
gnomAD v4.1: 254 of 1,614,132 alleles (0.016%); highest among the groups gnomAD compares: Middle Eastern, 0.066%; no homozygotes.

Submissions 1 to 9 of 49:

PreventionGenetics, part of Exact Sciences
Classification: Pathogenic for HBB-related condition. Last evaluated: 2026-09-23. Review status: criteria provided, single submitter. Criteria: ACMG Guidelines, 2015. Collection method: clinical testing. Allele origin: germline.
Comment: The HBB c.118C>T variant is predicted to result in premature protein termination (p.Gln40*). The c.118C>T change is a pathogenic founder variant in Sardina and is also referred to as codon 39C>T (Rosatelli et al 1992. PubMed ID: 1734721; Trecartin et al. 1981. PubMed ID: 6457059; Sirdah et al. 2013. PubMed ID: 23321370). This variant is reported in 0.062% of alleles in individuals of European (Non-Finnish) descent in gnomAD. This variant is interpreted as pathogenic.

Mendelics
Classification: Pathogenic for Hb SS disease. Last evaluated: 2026-03-05. Review status: criteria provided, single submitter. Criteria: ACMG Guidelines, 2015. Collection method: clinical testing. Allele origin: unknown.
Comment: Likely pathogenic/Pathogenic according to ACMG criteria.

Labcorp Genetics (formerly Invitae), Labcorp
Classification: Pathogenic. Last evaluated: 2026-02-02. Review status: criteria provided, single submitter. Criteria: Invitae Variant Classification Sherloc (09022015). Collection method: clinical testing. Allele origin: germline.
Comment: This sequence change creates a premature translational stop signal (p.Gln40*) in the HBB gene. It is expected to result in an absent or disrupted protein product. Loss-of-function variants in HBB are known to be pathogenic (PMID: 23637309). This variant is present in population databases (rs11549407, gnomAD 0.06%). This premature translational stop signal has been observed in individuals with beta-thalassemia (PMID: 8095930, 25572186, 27427187, 28366028). This variant is also known as p.Gln39X. ClinVar contains an entry for this variant (Variation ID: 15402). For these reasons, this variant has been classified as Pathogenic.

Victorian Clinical Genetics Services, Murdoch Childrens Research Institute
Classification: Pathogenic for Beta-thalassemia HBB/LCRB. Last evaluated: 2025-11-26. Review status: criteria provided, single submitter. Criteria: ACMG Guidelines, 2015. Collection method: clinical testing. Allele origin: germline. Affected: yes.
Comment: This variant is classified as Pathogenic. Evidence in support of pathogenic classification: Variant is predicted to cause nonsense-mediated decay (NMD) and loss of protein (premature termination codon is located at least 54 nucleotides upstream of the final exon-exon junction); Variant is present in gnomAD <0.01 (v4: 254 heterozygotes, 0 homozygotes); This variant has strong previous evidence of pathogenicity in unrelated individuals. This is one of the most common pathogenic variants in the HBB gene and is classed as a beta-zero variant. This variant has been reported in both homozygous and compound heterozygous states associated with beta-thalassemia major and intermedia (ClinVar, PMIDs: 25480500, 26016902, 33091040, 33317346) - Other NMD-predicted variant(s) comparable to the one identified in this case have very strong previous evidence for pathogenicity (DECIPHER). Additional information: This variant is heterozygous; This gene is associated with both recessive and dominant disease (OMIM); Loss of function is a known mechanism of disease in this gene and is associated with HBB-related hemoglobinopathies, including beta thalassemia (OMIM). Dominant negative is also a suggested mechanism (PMID: 29700171); Variants in this gene are known to have variable expressivity. Variable severity has been reported in sickle cell patients carrying the same variants (PMID: 31788855). In addition, clinical severity of beta-thalassemia patients is also dependent on whether variants in HBB are heterozygous, homozygous or compound heterozygous, and the amount of residual protein that is expressed (PMID: 20301599).

Variantyx, Inc.
Classification: Pathogenic for Beta-thalassemia HBB/LCRB. Last evaluated: 2025-11-18. Review status: criteria provided, single submitter. Criteria: Variantyx Assertion Criteria 2022. Collection method: clinical testing. Allele origin: germline. Inheritance: Autosomal recessive inheritance.
Comment: This is a nonsense variant in the HBB gene (OMIM: 141900). Pathogenic variants in this gene have been associated with autosomal recessive beta-thalassemia. This variant introduces a premature termination codon in exon 2 out of 3 and is expected to result in loss of function, which is a known disease mechanism for HBB in this disorder (PMID: 21389146) (PVS1). This variant, also known as p.Gln39Ter, has been reported in the homozygous or compound heterozygous state in many unrelated affected individuals (PMID: 28361595, 26956563, 8095930, 25572186, 28366028, 6457059, 23637309, 21417574, 27821015) (PM3). Heterozygous (carrier) individuals are clinically asymptomatic; however, they can occasionally suffer from mild anemia (referred to as beta-thalassemia minor) (PMID: 20301599). This variant has a 0.0233% maximum allele frequency in non-founder control populations (PM2). Based on the current evidence, this variant is classified as pathogenic for autosomal recessive beta-thalassemia.

Natera, Inc.
Classification: Pathogenic for Beta thalassemia. Last evaluated: 2025-11-13. Review status: criteria provided, single submitter. Criteria: Natera Variant Classification Schema (03/2026). Collection method: clinical testing. Allele origin: germline.
Comment: The c.118C>T variant in HBB is a nonsense variant predicted to introduce a stop codon at amino acid 40. This variant is expected to result in nonsense mediated decay, truncation, or a dysfunctional protein product. This variant is rare in the general population with a frequency below the threshold expected for the associated phenotype(s). This variant has been observed in one or more individuals affected with the associated recessive disease, as either homozygous or compound heterozygous with a second variant (PMID: 21417574, 9618059). Given the available evidence, this variant is classified as Pathogenic.

CeGaT Center for Human Genetics Tuebingen
Classification: Pathogenic. Last evaluated: 2025-09-01. Review status: criteria provided, single submitter. Criteria: CeGaT Center For Human Genetics Tuebingen Variant Classification Criteria Version 2. Collection method: clinical testing. Allele origin: germline. Affected: yes. Observed: 7 variant alleles.
Comment: HBB: PVS1, PS4, PM2

3billion
Classification: Pathogenic for Beta-thalassemia HBB/LCRB. Last evaluated: 2025-08-19. Review status: criteria provided, single submitter. Criteria: ACMG Guidelines, 2015. Collection method: clinical testing. Allele origin: germline. Affected: yes.
Comment: The variant is observed at an extremely low frequency in the gnomAD v4.1.0 dataset (total allele frequency: 0.016%). Predicted Consequence/Location: Stop-gained (nonsense): predicted to result in a loss or disruption of normal protein function through nonsense-mediated decay (NMD) or protein truncation. Multiple pathogenic variants are reported downstream of the variant. The variant has been reported at least twice as pathogenic with clinical assertions and evidence for the classification (ClinVar ID: VCV000015402 /PMID: 6457059 /3billion dataset). Therefore, this variant is classified as Pathogenic according to the recommendation of ACMG/AMP guideline.

First Genomix Gene Laboratory, Genetic Diagnostics Department
Classification: Pathogenic for Beta-thalassemia HBB/LCRB. Last evaluated: 2025-08-06. Review status: criteria provided, single submitter. Criteria: ACMG Guidelines, 2015. Collection method: clinical testing. Allele origin: germline. Inheritance: Autosomal recessive inheritance. Affected: no. Observed: 1 variant allele.

NM_000518.5(HBB):c.118C>T (p.Gln40Ter)

Genes: HBB (hemoglobin subunit beta; minus strand), LOC106099062 (HBB recombination region; plus strand), LOC107133510 (origin of replication at HBB; plus strand). Cytogenetic location: 11p15.4.
Variant type: single nucleotide variant.
Coding change: c.118C>T on transcript NM_000518.5 (MANE Select); coding-DNA position 118, C replaced by T.
Protein change: p.Gln40Ter; replaces glutamine 40 with a stop codon.
Molecular consequence: nonsense.
Genome position (GRCh38, 1-based): chr11:5,226,774, G>A on the plus strand (C>T on the coding strand, the complement: HBB is on the minus strand). VCF-style: chr11-5226774-G-A. GRCh37 (hg19) VCF-style: chr11-5248004-G-A.
Other names: Q39*; cd39C>T; CD 39 (CAG>TAG); short protein forms Q40*.
Identifiers: ClinVar variation 15402 (VCV000015402.170), dbSNP rs11549407, ClinGen allele CA125259.